The following is an entry in ClinVar:

ClinVar aggregate classification (germline): Likely benign. Review status: criteria provided, multiple submitters, no conflicts (2 of 4 stars). 3 submissions from 3 submitters: Likely benign (3). Last evaluated 2025-08-12.

Conditions:
NMNAT1-related disorder. Also called: NMNAT1-related condition.
Leber congenital amaurosis 9 (LCA9). Also called: LCA 9; Amaurosis congenita of Leber, type 9; LCA9 Leber Congenital Amaurosis. Identifiers: Orphanet 65, MedGen C1837873, MONDO:0012056, OMIM 608553.

Allele frequency attached by ClinVar (database versions not stated): TOPMed 0.00036; gnomAD 0.00041 and 0.00043.
gnomAD v4.1: 111 of 1,614,004 alleles (0.0069%); highest among the groups gnomAD compares: Admixed American, 0.15%; no homozygotes.

Submissions (3):

PreventionGenetics, part of Exact Sciences
Classification: Likely benign for NMNAT1-related condition. Last evaluated: 2025-08-12. Review status: criteria provided, single submitter. Criteria: ACMG Guidelines, 2015. Collection method: clinical testing. Allele origin: germline.
Comment: This variant is classified as likely benign based on ACMG/AMP sequence variant interpretation guidelines (Richards et al. 2015 PMID: 25741868, with internal and published modifications).

Labcorp Genetics (formerly Invitae), Labcorp
Classification: Likely benign for Leber congenital amaurosis 9. Last evaluated: 2025-06-22. Review status: criteria provided, single submitter. Criteria: Invitae Variant Classification Sherloc (09022015). Collection method: clinical testing. Allele origin: germline.

Blueprint Genetics
Classification: Likely benign. Last evaluated: 2023-10-04. Review status: criteria provided, single submitter. Criteria: ACMG Guidelines, 2015. Collection method: clinical testing. Allele origin: germline.

NM_022787.4(NMNAT1):c.633C>T (p.His211=)

Gene: NMNAT1 (nicotinamide nucleotide adenylyltransferase 1; plus strand). Cytogenetic location: 1p36.22.
Variant type: single nucleotide variant.
Coding change: c.633C>T on transcript NM_022787.4 (MANE Select); coding-DNA position 633, C replaced by T.
Protein change: p.His211=; no amino-acid change (histidine 211 retained).
Molecular consequence: synonymous variant.
Genome position (GRCh38, 1-based): chr1:9,982,494, C>T. VCF-style: chr1-9982494-C-T. GRCh37 (hg19) VCF-style: chr1-10042552-C-T.
Other names: c.633C>T, p.His211= (NM_001297778.1); c.633C>T (NM_022787.3).
Identifiers: ClinVar variation 1672632 (VCV001672632.10), dbSNP rs780520411, ClinGen allele CA579295.